The following is an entry in ClinVar:

NM_001377229.1(DISP1):c.322G>A (p.Ala108Thr)

Gene: DISP1 (dispatched RND transporter family member 1; plus strand). Cytogenetic location: 1q41.
Variant type: single nucleotide variant.
Coding change: c.322G>A on transcript NM_001377229.1 (MANE Select); coding-DNA position 322, G replaced by A.
Protein change: p.Ala108Thr; replaces alanine 108 with threonine.
Molecular consequence: missense variant. On other transcripts: 5 prime UTR variant (1).
Genome position (GRCh38, 1-based): chr1:222,943,145, G>A. VCF-style: chr1-222943145-G-A. GRCh37 (hg19) VCF-style: chr1-223116487-G-A.
Other names: c.-566G>A (NM_001350630.2); c.322G>A, p.Ala108Thr (NM_001369594.1, NM_001377228.1, NM_032890.5); short protein forms A108T.
Identifiers: ClinVar variation 1372506 (VCV001372506.6), dbSNP rs2125493951, ClinGen allele CA344742595.

ClinVar aggregate classification (germline): Uncertain significance (1 of 4 stars; one submission).

Submission:

Labcorp Genetics (formerly Invitae), Labcorp
Classification: Uncertain significance. Last evaluated: 2023-04-05. Review status: criteria provided, single submitter. Criteria: Invitae Variant Classification Sherloc (09022015). Collection method: clinical testing. Allele origin: germline.
Comment: In summary, the available evidence is currently insufficient to determine the role of this variant in disease. Therefore, it has been classified as a Variant of Uncertain Significance. An algorithm developed to predict the effect of missense changes on protein structure and function (PolyPhen-2) suggests that this variant is likely to be tolerated. ClinVar contains an entry for this variant (Variation ID: 1372506). This variant has not been reported in the literature in individuals affected with DISP1-related conditions. This variant is not present in population databases (gnomAD no frequency). This sequence change replaces alanine, which is neutral and non-polar, with threonine, which is neutral and polar, at codon 108 of the DISP1 protein (p.Ala108Thr).